The following is an entry in ClinVar:

ClinVar aggregate classification (germline): Uncertain significance (1 of 4 stars; one submission).

Allele frequency attached by ClinVar (database versions not stated): gnomAD 0.00001; gnomAD exomes 0.00001; TOPMed 0.00001.
gnomAD v4.1: 17 of 1,609,776 alleles (0.0011%); highest among the groups gnomAD compares: Admixed American, 0.0017%; no homozygotes.

Submission:

Labcorp Genetics (formerly Invitae), Labcorp
Classification: Uncertain significance. Last evaluated: 2025-01-13. Review status: criteria provided, single submitter. Criteria: Invitae Variant Classification Sherloc (09022015). Collection method: clinical testing. Allele origin: germline.
Comment: This sequence change replaces threonine, which is neutral and polar, with lysine, which is basic and polar, at codon 187 of the PSMG2 protein (p.Thr187Lys). This variant is present in population databases (no rsID available, gnomAD 0.0009%). This variant has not been reported in the literature in individuals affected with PSMG2-related conditions. ClinVar contains an entry for this variant (Variation ID: 2797121). An algorithm developed to predict the effect of missense changes on protein structure and function (PolyPhen-2) suggests that this variant is likely to be disruptive. In summary, the available evidence is currently insufficient to determine the role of this variant in disease. Therefore, it has been classified as a Variant of Uncertain Significance.

NM_020232.5(PSMG2):c.560C>A (p.Thr187Lys)

Gene: PSMG2 (proteasome assembly chaperone 2; plus strand). Cytogenetic location: 18p11.21.
Variant type: single nucleotide variant.
Coding change: c.560C>A on transcript NM_020232.5 (MANE Select); coding-DNA position 560, C replaced by A.
Protein change: p.Thr187Lys; replaces threonine 187 with lysine.
Molecular consequence: missense variant.
Genome position (GRCh38, 1-based): chr18:12,720,662, C>A. VCF-style: chr18-12720662-C-A. GRCh37 (hg19) VCF-style: chr18-12720661-C-A.
Other names: c.467C>A, p.Thr156Lys (NM_147163.2); short protein forms T156K, T187K.
Identifiers: ClinVar variation 2797121 (VCV002797121.3), dbSNP rs1373908039, ClinGen allele CA401968890.
Genomic context (GRCh38, chr18:12,720,662, plus strand): 5'-GGTGCATTCCTGAAATAGATGATTCCGAGTTTTGTATCCGCATTCCGGGAGGAGGTATCA[C>A]AAAAACACTCTATGATGAAAGGTGAGTTTGTTTGCCTGTTCATTTGTTTCCCACTTTACT-3'
Protein context (NP_064617.2, residues 177-197): FCIRIPGGGI[Thr187Lys]KTLYDESCSK